The following is an entry in ClinVar:

NM_005188.4(CBL):c.1564-13C>T

Gene: CBL (Cbl proto-oncogene; plus strand). Cytogenetic location: 11q23.3.
Variant type: single nucleotide variant.
Coding change: c.1564-13C>T on transcript NM_005188.4 (MANE Select); 13 bases into the intron before coding-DNA position 1564, C replaced by T.
Molecular consequence: intron variant.
Genome position (GRCh38, 1-based): chr11:119,285,176, C>T. VCF-style: chr11-119285176-C-T. GRCh37 (hg19) VCF-style: chr11-119155886-C-T.
Identifiers: ClinVar variation 136664 (VCV000136664.15), dbSNP rs117902985, ClinGen allele CA289967.
Genomic context (GRCh38, chr11:119,285,176, plus strand): 5'-TTACTGCAGTTTTTGGATTCTTTGCTGTGTACTAGTGGGTTTTTACTGATTTGCTTTCAC[C>T]CTGCTTCCACAGGCTGCTTCTGGCTCCCTTCATAAAGACAAACCATTGCCAGTACCTCCC-3'

ClinVar aggregate classification (germline): Benign/Likely benign. Review status: criteria provided, multiple submitters, no conflicts (2 of 4 stars). 6 submissions from 6 submitters: Benign (5); Likely benign (1). Last evaluated 2026-01-31.

Conditions:
CBL-related disorder. Also called: NOONAN SYNDROME-LIKE DISORDER WITHOUT JUVENILE MYELOMONOCYTIC LEUKEMIA; CBL MUTATION-ASSOCIATED SYNDROME; CBL SYNDROME. Identifiers: Orphanet 363972, MedGen C3150803, MONDO:0013308, OMIM 613563.
RASopathy. Also called: Noonan spectrum disorder; rasopathies. Identifiers: Orphanet 536391, MedGen C5555857, MONDO:0021060.
Juvenile myelomonocytic leukemia (JMML). Also called: LEUKEMIA, JUVENILE MYELOMONOCYTIC, SOMATIC. Identifiers: Orphanet 86834, MedGen C0349639, MONDO:0011908, OMIM 607785, HP:0012209.

Allele frequency attached by ClinVar (database versions not stated): gnomAD exomes 0.00034 and 0.00114; gnomAD 0.00039 and 0.00054; TOPMed 0.00083; ExAC 0.00106; 1000 Genomes Project 0.00240; 1000 Genomes Project 30x 0.00250.
gnomAD v4.1: 574 of 1,613,972 alleles (0.036%); highest among the groups gnomAD compares: East Asian, 1.2%; 7 homozygotes.

Submissions (6):

Labcorp Genetics (formerly Invitae), Labcorp
Classification: Benign for RASopathy. Last evaluated: 2026-01-31. Review status: criteria provided, single submitter. Criteria: Invitae Variant Classification Sherloc (09022015). Collection method: clinical testing. Allele origin: germline.

KCCC/NGS Laboratory, Kuwait Cancer Control Center
Classification: Benign for Juvenile myelomonocytic leukemia. Last evaluated: 2025-02-01. Review status: criteria provided, single submitter. Criteria: ACMG Guidelines, 2015. Collection method: clinical testing. Allele origin: germline. Affected: no.

Blueprint Genetics
Classification: Likely benign. Last evaluated: 2024-11-27. Review status: criteria provided, single submitter. Criteria: ACMG Guidelines, 2015. Collection method: clinical testing. Allele origin: germline.

Women's Health and Genetics/Laboratory Corporation of America, LabCorp
Classification: Benign. Last evaluated: 2019-09-16. Review status: criteria provided, single submitter. Criteria: LabCorp Variant Classification Summary - May 2015. Collection method: clinical testing. Allele origin: germline.
Comment: Variant summary: CBL c.1564-13C>T alters a non-conserved nucleotide located close to a canonical splice site and therefore could affect mRNA splicing, leading to a significantly altered protein sequence. 5/5 computational tools predict no significant impact on normal splicing. However, these predictions have yet to be confirmed by functional studies. The variant allele was found at a frequency of 0.0011 in 251428 control chromosomes, predominantly at a frequency of 0.015 within the East Asian subpopulation in the gnomAD database, including 2 homozygotes. The observed variant frequency within East Asian control individuals in the gnomAD database is approximately 6000-folds over the estimated maximal expected allele frequency for a pathogenic variant in CBL causing Noonan Syndrome and Related Conditions phenotype (2.5e-06), strongly suggesting that the variant is a benign polymorphism found primarily in populations of East Asian origin. To our knowledge, no occurrence of c.1564-13C>T in individuals affected with Noonan Syndrome and Related Conditions and no experimental evidence demonstrating its impact on protein function have been reported. A ClinVar submission (evaluation after 2014) cites the variant as likely benign. Based on the evidence outlined above, the variant was classified as benign.

Illumina Laboratory Services, Illumina
Classification: Benign for CBL-related disorder. Last evaluated: 2018-01-13. Review status: criteria provided, single submitter. Criteria: ICSL Variant Classification Criteria 13 December 2019. Collection method: clinical testing. Allele origin: germline.
Comment: This variant was observed in the ICSL laboratory as part of a predisposition screen in an ostensibly healthy population. It had not been previously curated by ICSL or reported in the Human Gene Mutation Database (HGMD: prior to June 1st, 2018), and was therefore a candidate for classification through an automated scoring system. Utilizing variant allele frequency, disease prevalence and penetrance estimates, and inheritance mode, an automated score was calculated to assess if this variant is too frequent to cause the disease. Based on the score and internal cut-off values, a variant classified as benign is not then subjected to further curation. The score for this variant resulted in a classification of benign for this disease.

GeneDx
Classification: Benign. Last evaluated: 2013-06-17. Review status: criteria provided, single submitter. Criteria: GeneDx Variant Classification (06012015). Collection method: clinical testing. Allele origin: germline. Affected: yes.
Comment: This variant is considered likely benign or benign based on one or more of the following criteria: it is a conservative change, it occurs at a poorly conserved position in the protein, it is predicted to be benign by multiple in silico algorithms, and/or has population frequency not consistent with disease.

Literature cited by the submitters: PubMed 20951944 (cited by Women's Health and Genetics/Laboratory Corporation of America, LabCorp); PubMed 19620960 (cited by Women's Health and Genetics/Laboratory Corporation of America, LabCorp); PubMed 29296819 (cited by Women's Health and Genetics/Laboratory Corporation of America, LabCorp); PubMed 27069254 (cited by Women's Health and Genetics/Laboratory Corporation of America, LabCorp).